The following is an entry in ClinVar:

ClinVar aggregate classification (germline): Conflicting classifications of pathogenicity. Review status: criteria provided, conflicting classifications (1 of 4 stars). 3 submissions from 3 submitters: Uncertain significance (2); Likely benign (1). Last evaluated 2025-09-30.

Conditions:
RASopathy. Also called: Noonan spectrum disorder; rasopathies. Identifiers: Orphanet 536391, MedGen C5555857, MONDO:0021060.

gnomAD v4.1: 1 of 1,612,916 alleles (0.000062%); highest among the groups gnomAD compares: South Asian, 0.0011%; no homozygotes.

Submissions (3):

Prenatal Diagnosis Unit, University Medical Center at Ho Chi Minh City, University of Medicine and Pharmacy at Ho Chi Minh City
Classification: Likely benign. Last evaluated: 2025-09-30. Review status: criteria provided, single submitter. Criteria: ACMG Guidelines, 2015. Collection method: provider interpretation. Allele origin: germline. Inheritance: Autosomal dominant inheritance. Affected: no. Observed: 2 variant alleles, 2 heterozygotes. Clinical features observed: Increased nuchal translucency (HP:0010880).
Comment: Additionally, several in silico prediction tools (CADD, PolyPhen) suggest that this variant has no functional impact on the BRAF gene. In summary, the Gly209Asp variant meets the ACMG/AMP variant interpretation criteria 2015 (BS2, BP4) to be classified as likely benign.

Labcorp Genetics (formerly Invitae), Labcorp
Classification: Uncertain significance for RASopathy. Last evaluated: 2023-10-13. Review status: criteria provided, single submitter. Criteria: Invitae Variant Classification Sherloc (09022015). Collection method: clinical testing. Allele origin: germline.
Comment: This sequence change replaces glycine, which is neutral and non-polar, with aspartic acid, which is acidic and polar, at codon 209 of the BRAF protein (p.Gly209Asp). This variant is not present in population databases (gnomAD no frequency). This variant has not been reported in the literature in individuals affected with BRAF-related conditions. Advanced modeling of protein sequence and biophysical properties (such as structural, functional, and spatial information, amino acid conservation, physicochemical variation, residue mobility, and thermodynamic stability) performed at Invitae indicates that this missense variant is not expected to disrupt BRAF protein function. In summary, the available evidence is currently insufficient to determine the role of this variant in disease. Therefore, it has been classified as a Variant of Uncertain Significance.

Blueprint Genetics
Classification: Uncertain significance. Last evaluated: 2021-08-27. Review status: criteria provided, single submitter. Criteria: ACMG Guidelines, 2015. Collection method: clinical testing. Allele origin: germline.

NM_004333.6(BRAF):c.626G>A (p.Gly209Asp)

Gene: BRAF (B-Raf proto-oncogene, serine/threonine kinase; minus strand). Cytogenetic location: 7q34.
Variant type: single nucleotide variant.
Coding change: c.626G>A on transcript NM_004333.6 (MANE Select); coding-DNA position 626, G replaced by A.
Protein change: p.Gly209Asp; replaces glycine 209 with aspartic acid.
Molecular consequence: missense variant.
Genome position (GRCh38, 1-based): chr7:140,808,045, C>T on the plus strand (G>A on the coding strand, the complement: BRAF is on the minus strand). VCF-style: chr7-140808045-C-T. GRCh37 (hg19) VCF-style: chr7-140507845-C-T.
Other names: c.626G>A, p.Gly209Asp (NM_001354609.2, NM_001374244.1, NM_001374258.1 and 4 more transcripts); c.635G>A, p.Gly212Asp (NM_001378467.1); c.524G>A, p.Gly175Asp (NM_001378470.1); c.470G>A, p.Gly157Asp (NM_001378472.1, NM_001378473.1); c.362G>A, p.Gly121Asp (NM_001378475.1); short protein forms G209D, G212D, G157D, G121D, G175D.
Identifiers: ClinVar variation 2891586 (VCV002891586.5), dbSNP rs1803835418, ClinGen allele CA369591270.